The following is an entry in ClinVar:

ClinVar aggregate classification (germline): Uncertain significance (1 of 4 stars; one submission).

Submission:

Clinical Genomics Laboratory, Laboratory for Precision Diagnostics, University of Washington
Classification: Uncertain significance. Last evaluated: 2017-10-25. Review status: criteria provided, single submitter. Criteria: Clinical Cytogenomics Laboratory Policy on CNV Interpretation. Collection method: clinical testing. Allele origin: unknown. Affected: yes. Observed: 1 variant allele.

GRCh37/hg19 Xq26.3(chrX:134294325-134786450)x3

Genes: CT55 (cancer/testis antigen 55; minus strand), INTS6L (integrator complex subunit 6 like; plus strand), ZNF449 (zinc finger protein 449; plus strand), ZNF75D (zinc finger protein 75D; minus strand). Cytogenetic location: Xq26.3.
Variant type: copy number gain.
Change: copy number 3 of chrX:134,294,325-134,786,450 (492.1 kb, GRCh37 coordinates, 1-based), cytogenetic band Xq26.3.
Identifiers: ClinVar variation 548972 (VCV000548972.3).